The following is an entry in ClinVar:

NM_025077.4(TOE1):c.334-5_334-3del

Gene: TOE1 (target of EGR1, exonuclease; plus strand). Cytogenetic location: 1p34.1.
Variant type: Deletion.
Coding change: c.334-5_334-3del on transcript NM_025077.4 (MANE Select); 5 bases into the intron before coding-DNA position 334 through 3 bases into the intron before coding-DNA position 334, 3 bases deleted (CCC; older notation c.334-5_334-3delCCC).
Molecular consequence: intron variant.
Genome position (GRCh38, 1-based): chr1:45,341,944-45,341,946, CCC deleted. VCF-style (leftmost placement, unchanged base first): chr1-45341943-TCCC-T. GRCh37 (hg19) VCF-style: chr1-45807615-TCCC-T.
Identifiers: ClinVar variation 3050737 (VCV003050737.3), dbSNP rs773011290, ClinGen allele CA826545.
Genomic context (GRCh38, chr1:45,341,943, plus strand): 5'-AAGCTTTTGCATCCTCCTAGCTTGGCTCTCTGAAATCTTGATATAGCAGACTTCTCTTTC[TCCC>T]AGGGTGAACATTCCTATCTGGCTCAAGTGTTCAATCTCACTCTGCTGTGCATGGAGGAGT-3'

ClinVar aggregate classification (germline): Uncertain significance. Review status: criteria provided, single submitter (1 of 4 stars). 2 submissions from 2 submitters: Uncertain significance (1). 1 of the submissions does not count toward it. Last evaluated 2024-11-10.

Conditions:
TOE1-related disorder. Also called: TOE1-related condition.

Allele frequency attached by ClinVar (database versions not stated): gnomAD exomes 0.00001; gnomAD 0.00002; TOPMed 0.00004; ExAC 0.00005.

Submissions (2):

Labcorp Genetics (formerly Invitae), Labcorp
Classification: Uncertain significance. Last evaluated: 2024-11-10. Review status: criteria provided, single submitter. Criteria: Invitae Variant Classification Sherloc (09022015). Collection method: clinical testing. Allele origin: germline.
Comment: This sequence change falls in intron 4 of the TOE1 gene. It does not directly change the encoded amino acid sequence of the TOE1 protein. It affects a nucleotide within the consensus splice site. This variant is present in population databases (rs773011290, gnomAD 0.06%). This variant has not been reported in the literature in individuals affected with TOE1-related conditions. ClinVar contains an entry for this variant (Variation ID: 3050737). Variants that disrupt the consensus splice site are a relatively common cause of aberrant splicing (PMID: 17576681, 9536098). Algorithms developed to predict the effect of sequence changes on RNA splicing suggest that this variant is not likely to affect RNA splicing. In summary, the available evidence is currently insufficient to determine the role of this variant in disease. Therefore, it has been classified as a Variant of Uncertain Significance.

PreventionGenetics, part of Exact Sciences
Classification: Likely benign for TOE1-related condition. Last evaluated: 2019-07-12. Review status: no assertion criteria provided. Collection method: clinical testing. Allele origin: germline. Not counted in ClinVar's aggregate classification.
Comment: This variant is classified as likely benign based on ACMG/AMP sequence variant interpretation guidelines (Richards et al. 2015 PMID: 25741868, with internal and published modifications).

Literature cited by the submitters: PubMed 17576681 (cited by Labcorp Genetics (formerly Invitae), Labcorp); PubMed 9536098 (cited by Labcorp Genetics (formerly Invitae), Labcorp).